The following is an entry in ClinVar:

ClinVar aggregate classification (germline): Uncertain significance (1 of 4 stars; one submission).

Submission:

GeneDx
Classification: Uncertain significance. Last evaluated: 2024-11-01. Review status: criteria provided, single submitter. Criteria: GeneDx Variant Classification Process June 2021. Collection method: clinical testing. Allele origin: germline. Affected: yes.
Comment: Not observed at significant frequency in large population cohorts (gnomAD); In silico analysis supports that this missense variant has a deleterious effect on protein structure/function; Has not been previously published as pathogenic or benign to our knowledge.

NM_052867.4(NALCN):c.3494C>T (p.Thr1165Met)

Gene: NALCN (sodium leak channel, non-selective; minus strand). Cytogenetic location: 13q32.3.
Variant type: single nucleotide variant.
Coding change: c.3494C>T on transcript NM_052867.4 (MANE Select); coding-DNA position 3494, C replaced by T.
Protein change: p.Thr1165Met; replaces threonine 1165 with methionine.
Molecular consequence: missense variant.
Genome position (GRCh38, 1-based): chr13:101,083,800, G>A on the plus strand (C>T on the coding strand, the complement: NALCN is on the minus strand). VCF-style: chr13-101083800-G-A. GRCh37 (hg19) VCF-style: chr13-101736151-G-A.
Other names: c.3581C>T, p.Thr1194Met (NM_001350748.2); c.3494C>T, p.Thr1165Met (NM_001350749.2); c.3407C>T, p.Thr1136Met (NM_001350750.2, NM_001350751.2); short protein forms T1136M, T1165M, T1194M.
Identifiers: ClinVar variation 3897105 (VCV003897105.1).